The following is an entry in ClinVar:

ClinVar aggregate classification (germline): Uncertain significance (1 of 4 stars; one submission).

Conditions:
Familial cancer of breast. Also called: hereditary breast carcinoma; Hereditary breast cancer; BREAST CANCER, FAMILIAL. Identifiers: Orphanet 227535, MedGen C0346153, MONDO:0016419, OMIM 114480. Disease mechanism: loss of function.

Submission:

Labcorp Genetics (formerly Invitae), Labcorp
Classification: Uncertain significance for Familial cancer of breast. Last evaluated: 2023-04-27. Review status: criteria provided, single submitter. Criteria: Invitae Variant Classification Sherloc (09022015). Collection method: clinical testing. Allele origin: germline.
Comment: In summary, the available evidence is currently insufficient to determine the role of this variant in disease. Therefore, it has been classified as a Variant of Uncertain Significance. Advanced modeling of protein sequence and biophysical properties (such as structural, functional, and spatial information, amino acid conservation, physicochemical variation, residue mobility, and thermodynamic stability) performed at Invitae indicates that this missense variant is not expected to disrupt PALB2 protein function. ClinVar contains an entry for this variant (Variation ID: 861514). This variant has not been reported in the literature in individuals affected with PALB2-related conditions. This variant is not present in population databases (gnomAD no frequency). This sequence change replaces arginine, which is basic and polar, with threonine, which is neutral and polar, at codon 541 of the PALB2 protein (p.Arg541Thr).

NM_024675.4(PALB2):c.1622G>C (p.Arg541Thr)

Gene: PALB2 (partner and localizer of BRCA2; minus strand). Cytogenetic location: 16p12.2.
Variant type: single nucleotide variant.
Coding change: c.1622G>C on transcript NM_024675.4 (MANE Select); coding-DNA position 1622, G replaced by C.
Protein change: p.Arg541Thr; replaces arginine 541 with threonine.
Molecular consequence: missense variant.
Genome position (GRCh38, 1-based): chr16:23,634,924, C>G on the plus strand (G>C on the coding strand, the complement: PALB2 is on the minus strand). VCF-style: chr16-23634924-C-G. GRCh37 (hg19) VCF-style: chr16-23646245-C-G.
Other names: short protein forms R541T.
Identifiers: ClinVar variation 861514 (VCV000861514.10), dbSNP rs1597095450, ClinGen allele CA395130338.